The following is an entry in ClinVar:

ClinVar aggregate classification (germline): Likely pathogenic (1 of 4 stars; one submission).

Conditions:
RYR1-related disorder. Also called: RYR1-related condition; RYR1-related disorders. Identifiers: MedGen CN239331.

Submission:

Labcorp Genetics (formerly Invitae), Labcorp
Classification: Likely pathogenic for RYR1-related disorder. Last evaluated: 2021-02-15. Review status: criteria provided, single submitter. Criteria: Invitae Variant Classification Sherloc (09022015). Collection method: clinical testing. Allele origin: germline.
Comment: In summary, the currently available evidence indicates that the variant is pathogenic, but additional data are needed to prove that conclusively. Therefore, this variant has been classified as Likely Pathogenic. Algorithms developed to predict the effect of missense changes on protein structure and function are either unavailable or do not agree on the potential impact of this missense change (SIFT: "Not Available"; PolyPhen-2: "Benign"; Align-GVGD: "Not Available"). This variant has been observed in individual(s) with malignant hyperthermia (Invitae). In at least one individual the variant was observed to be de novo. The frequency data for this variant in the population databases is not available, as this variant may be reported as separate entries in the ExAC database. This sequence change replaces glutamic acid with leucine at codon 4049 of the RYR1 protein (p.Glu4049Leu). The glutamic acid residue is highly conserved and there is a moderate physicochemical difference between glutamic acid and leucine.

NM_000540.3(RYR1):c.12145_12146delinsTT (p.Glu4049Leu)

Gene: RYR1 (ryanodine receptor 1; plus strand). Cytogenetic location: 19q13.2.
Variant type: Indel.
Coding change: c.12145_12146delinsTT on transcript NM_000540.3 (MANE Select); coding-DNA positions 12145 to 12146, GA replaced by TT.
Protein change: p.Glu4049Leu; replaces glutamic acid 4049 with leucine.
Molecular consequence: missense variant.
Genome position (GRCh38, 1-based): chr19:38,548,283-38,548,284, GA replaced by TT. VCF-style: chr19-38548283-GA-TT. GRCh37 (hg19) VCF-style: chr19-39038923-GA-TT.
Other names: c.12130_12131delinsTT, p.Glu4044Leu (NM_001042723.2); short protein forms E4044L, E4049L.
Identifiers: ClinVar variation 1471186 (VCV001471186.6), dbSNP rs2145790333, ClinGen allele CA2573156344.